The following is an entry in ClinVar:

ClinVar aggregate classification (germline): Uncertain significance (1 of 4 stars; one submission).

Conditions:
Charcot-Marie-Tooth disease axonal type 2O. Also called: CHARCOT-MARIE-TOOTH NEUROPATHY, AXONAL, TYPE 2O; CHARCOT-MARIE-TOOTH DISEASE, AXONAL, AUTOSOMAL DOMINANT, TYPE 2O; Charcot-Marie-Tooth Neuropathy Type 2O; Charcot-Marie-Tooth disease, axonal, type 20. Identifiers: Orphanet 284232, MedGen C3280220, MONDO:0013644, OMIM 614228.

gnomAD v4.1: 2 of 1,614,224 alleles (0.00012%); highest among the groups gnomAD compares: Non-Finnish European, 0.000085%; no homozygotes.

Submission:

Labcorp Genetics (formerly Invitae), Labcorp
Classification: Uncertain significance for Charcot-Marie-Tooth disease axonal type 2O. Last evaluated: 2024-04-29. Review status: criteria provided, single submitter. Criteria: Invitae Variant Classification Sherloc (09022015). Collection method: clinical testing. Allele origin: germline.
Comment: This sequence change replaces arginine, which is basic and polar, with histidine, which is basic and polar, at codon 2643 of the DYNC1H1 protein (p.Arg2643His). This variant is not present in population databases (gnomAD no frequency). This variant has not been reported in the literature in individuals affected with DYNC1H1-related conditions. Advanced modeling of protein sequence and biophysical properties (such as structural, functional, and spatial information, amino acid conservation, physicochemical variation, residue mobility, and thermodynamic stability) has been performed at Invitae for this missense variant, however the output from this modeling did not meet the statistical confidence thresholds required to predict the impact of this variant on DYNC1H1 protein function. In summary, the available evidence is currently insufficient to determine the role of this variant in disease. Therefore, it has been classified as a Variant of Uncertain Significance.

NM_001376.5(DYNC1H1):c.7928G>A (p.Arg2643His)

Gene: DYNC1H1 (dynein cytoplasmic 1 heavy chain 1; plus strand). Cytogenetic location: 14q32.31.
Variant type: single nucleotide variant.
Coding change: c.7928G>A on transcript NM_001376.5 (MANE Select); coding-DNA position 7928, G replaced by A.
Protein change: p.Arg2643His; replaces arginine 2643 with histidine.
Molecular consequence: missense variant.
Genome position (GRCh38, 1-based): chr14:102,017,167, G>A. VCF-style: chr14-102017167-G-A. GRCh37 (hg19) VCF-style: chr14-102483504-G-A.
Other names: short protein forms R2643H.
Identifiers: ClinVar variation 3667377 (VCV003667377.2).